The following is an entry in ClinVar:

NM_000520.6(HEXA):c.1168C>G (p.Gln390Glu)

Gene: HEXA (hexosaminidase subunit alpha; minus strand). Cytogenetic location: 15q23.
Variant type: single nucleotide variant.
Coding change: c.1168C>G on transcript NM_000520.6 (MANE Select); coding-DNA position 1168, C replaced by G.
Protein change: p.Gln390Glu; replaces glutamine 390 with glutamic acid.
Molecular consequence: missense variant.
Genome position (GRCh38, 1-based): chr15:72,346,689, G>C on the plus strand (C>G on the coding strand, the complement: HEXA is on the minus strand). VCF-style: chr15-72346689-G-C. GRCh37 (hg19) VCF-style: chr15-72639030-G-C.
Other names: c.1201C>G, p.Gln401Glu (NM_001318825.2); short protein forms Q390E, Q401E.
Identifiers: ClinVar variation 1416006 (VCV001416006.5), dbSNP rs988192535, ClinGen allele CA272610296.

ClinVar aggregate classification (germline): Uncertain significance (1 of 4 stars; one submission).

Conditions:
Tay-Sachs disease (TSD). Also called: HEXA DEFICIENCY; GM2 gangliosidosis, type 1; Hexosaminidase alpha-subunit deficiency (variant B); Sphingolipidosis, Tay-Sachs; HEXA Disorders; Hexosaminidase A Deficiency. Identifiers: Orphanet 845, MedGen C0039373, MONDO:0010100, OMIM 272800.

Allele frequency attached by ClinVar (database versions not stated): gnomAD exomes below 0.00001; gnomAD 0.00001; 1000 Genomes Project 30x 0.00016.
gnomAD v4.1: 2 of 1,614,114 alleles (0.00012%); highest among the groups gnomAD compares: African/African-American, 0.0027%; no homozygotes.

Submission:

Labcorp Genetics (formerly Invitae), Labcorp
Classification: Uncertain significance for Tay-Sachs disease. Last evaluated: 2022-02-12. Review status: criteria provided, single submitter. Criteria: Invitae Variant Classification Sherloc (09022015). Collection method: clinical testing. Allele origin: germline.
Comment: This sequence change replaces glutamine, which is neutral and polar, with glutamic acid, which is acidic and polar, at codon 390 of the HEXA protein (p.Gln390Glu). This variant is present in population databases (no rsID available, gnomAD 0.007%). This variant has not been reported in the literature in individuals affected with HEXA-related conditions. Algorithms developed to predict the effect of missense changes on protein structure and function (SIFT, PolyPhen-2, Align-GVGD) all suggest that this variant is likely to be tolerated. In summary, the available evidence is currently insufficient to determine the role of this variant in disease. Therefore, it has been classified as a Variant of Uncertain Significance.